The following is an entry in ClinVar:

NM_000540.3(RYR1):c.7835+4_7835+5insGGCGG

Gene: RYR1 (ryanodine receptor 1; plus strand). Cytogenetic location: 19q13.2.
Variant type: Microsatellite.
Coding change: c.7835+4_7835+5insGGCGG on transcript NM_000540.3 (MANE Select); bases 4 to 5 of the intron after coding-DNA position 7835, GGCGG inserted.
Molecular consequence: intron variant.
Genome position: GRCh38 VCF-style: chr19-38502729-T-TGGGGC. GRCh37 (hg19) VCF-style: chr19-38993369-T-TGGGGC.
Other names: c.7835+4_7835+5insGGCGG (NM_001042723.2).
Identifiers: ClinVar variation 2418149 (VCV002418149.31), dbSNP rs768070268.

ClinVar aggregate classification (germline): Conflicting classifications of pathogenicity. Review status: criteria provided, conflicting classifications (1 of 4 stars). 3 submissions from 3 submitters: Uncertain significance (2); Likely benign (1). Last evaluated 2025-11-22.

Conditions:
RYR1-related disorder. Also called: RYR1-related condition; RYR1-related disorders. Identifiers: MedGen CN239331.

Submissions (3):

Labcorp Genetics (formerly Invitae), Labcorp
Classification: Uncertain significance for RYR1-related disorder. Last evaluated: 2025-11-22. Review status: criteria provided, single submitter. Criteria: Invitae Variant Classification Sherloc (09022015). Collection method: clinical testing. Allele origin: germline.
Comment: This sequence change falls in intron 48 of the RYR1 gene. It does not directly change the encoded amino acid sequence of the RYR1 protein. It affects a nucleotide within the consensus splice site. This variant is present in population databases (rs768070268, gnomAD 0.004%). This variant has not been reported in the literature in individuals affected with RYR1-related conditions. Variants that disrupt the consensus splice site are a relatively common cause of aberrant splicing (PMID: 17576681, 9536098). Algorithms developed to predict the effect of sequence changes on RNA splicing suggest that this variant is not likely to affect RNA splicing. In summary, the available evidence is currently insufficient to determine the role of this variant in disease. Therefore, it has been classified as a Variant of Uncertain Significance.

Women's Health and Genetics/Laboratory Corporation of America, LabCorp
Classification: Uncertain significance. Last evaluated: 2024-05-13. Review status: criteria provided, single submitter. Criteria: LabCorp Variant Classification Summary - May 2015. Collection method: clinical testing. Allele origin: germline.

CeGaT Center for Human Genetics Tuebingen
Classification: Likely benign. Last evaluated: 2024-03-01. Review status: criteria provided, single submitter. Criteria: CeGaT Center For Human Genetics Tuebingen Variant Classification Criteria Version 2. Collection method: clinical testing. Allele origin: germline. Affected: yes. Observed: 3 variant alleles.
Comment: RYR1: BP4

Literature cited by the submitters: PubMed 17576681 (cited by Labcorp Genetics (formerly Invitae), Labcorp); PubMed 9536098 (cited by Labcorp Genetics (formerly Invitae), Labcorp).